The following is an entry in ClinVar:

ClinVar aggregate classification (germline): Uncertain significance (1 of 4 stars; one submission).

Submission:

Labcorp Genetics (formerly Invitae), Labcorp
Classification: Uncertain significance. Last evaluated: 2024-09-23. Review status: criteria provided, single submitter. Criteria: Invitae Variant Classification Sherloc (09022015). Collection method: clinical testing. Allele origin: germline.
Comment: This sequence change replaces glutamic acid, which is acidic and polar, with alanine, which is neutral and non-polar, at codon 1648 of the COL4A2 protein (p.Glu1648Ala). This variant is not present in population databases (gnomAD no frequency). This variant has not been reported in the literature in individuals affected with COL4A2-related conditions. Invitae Evidence Modeling of protein sequence and biophysical properties (such as structural, functional, and spatial information, amino acid conservation, physicochemical variation, residue mobility, and thermodynamic stability) indicates that this missense variant is not expected to disrupt COL4A2 protein function with a negative predictive value of 95%. In summary, the available evidence is currently insufficient to determine the role of this variant in disease. Therefore, it has been classified as a Variant of Uncertain Significance.

NM_001846.4(COL4A2):c.4943A>C (p.Glu1648Ala)

Gene: COL4A2 (collagen type IV alpha 2 chain; plus strand). Cytogenetic location: 13q34.
Variant type: single nucleotide variant.
Coding change: c.4943A>C on transcript NM_001846.4 (MANE Select); coding-DNA position 4943, A replaced by C.
Protein change: p.Glu1648Ala; replaces glutamic acid 1648 with alanine.
Molecular consequence: missense variant.
Genome position (GRCh38, 1-based): chr13:110,511,995, A>C. VCF-style: chr13-110511995-A-C. GRCh37 (hg19) VCF-style: chr13-111164342-A-C.
Other names: short protein forms E1648A.
Identifiers: ClinVar variation 3719757 (VCV003719757.2).